The following is an entry in ClinVar:

ClinVar aggregate classification (germline): Uncertain significance (1 of 4 stars; one submission).

Submission:

Ambry Genetics
Classification: Uncertain significance. Last evaluated: 2026-06-03. Review status: criteria provided, single submitter. Criteria: Ambry Variant Classification Scheme 2023. Collection method: clinical testing. Allele origin: germline.
Comment: The c.1306C>T (p.P436S) alteration is located in exon 8 (coding exon 8) of the ATRN gene. This alteration results from a C to T substitution at nucleotide position 1306, causing the proline (P) at amino acid position 436 to be replaced by a serine (S). Based on data from gnomAD, the T allele has an overall frequency of <0.001% (1/251420) total alleles studied. The highest observed frequency was 0.003% (1/30612) of South Asian alleles. Based on insufficient or conflicting evidence, the clinical significance of this alteration remains unclear.

NM_139321.3(ATRN):c.1306C>T (p.Pro436Ser)

Gene: ATRN (attractin; plus strand). Cytogenetic location: 20p13.
Variant type: single nucleotide variant.
Coding change: c.1306C>T on transcript NM_139321.3 (MANE Select); coding-DNA position 1306, C replaced by T.
Protein change: p.Pro436Ser; replaces proline 436 with serine.
Molecular consequence: missense variant.
Genome position (GRCh38, 1-based): chr20:3,560,764, C>T. VCF-style: chr20-3560764-C-T. GRCh37 (hg19) VCF-style: chr20-3541411-C-T.
Other names: c.958C>T, p.Pro320Ser (NM_001207047.3); c.1306C>T, p.Pro436Ser (NM_001323332.2, NM_139322.4); short protein forms P320S, P436S.
Identifiers: ClinVar variation 4867269 (VCV004867269.1).
Genomic context (GRCh38, chr20:3,560,764, plus strand): 5'-AATGTGACCAATGAGTTGAGAGTTTTTCACATTCATAATGAGTCATGGGTGTTGTTGACC[C>T]CTAAGGCAAAGGAGCAGTATGCAGTGGTTGGGCACTCTGCACACATTGTTACACTGAAGA-3'
Protein context (NP_647537.1, residues 426-446): IHNESWVLLT[Pro436Ser]KAKEQYAVVG